The following is an entry in ClinVar:

NM_017763.6(RNF43):c.1236T>C (p.Tyr412=)

Gene: RNF43 (ring finger protein 43; minus strand). Cytogenetic location: 17q22.
Variant type: single nucleotide variant.
Coding change: c.1236T>C on transcript NM_017763.6 (MANE Select); coding-DNA position 1236, T replaced by C.
Protein change: p.Tyr412=; no amino-acid change (tyrosine 412 retained).
Molecular consequence: synonymous variant.
Genome position (GRCh38, 1-based): chr17:58,358,540, A>G on the plus strand (T>C on the coding strand, the complement: RNF43 is on the minus strand). VCF-style: chr17-58358540-A-G. GRCh37 (hg19) VCF-style: chr17-56435901-A-G.
Other names: c.1236T>C, p.Tyr412= (NM_001305544.3, NM_001438820.1, NM_001438821.1 and 1 more transcripts); c.855T>C, p.Tyr285= (NM_001305545.2, NM_001437987.1).
Identifiers: ClinVar variation 5042440 (VCV005042440.1).

ClinVar aggregate classification (germline): Benign (1 of 4 stars; one submission).

Conditions:
Sessile serrated polyposis cancer syndrome (SSPCS). Identifiers: Orphanet 157798, MedGen C4310714, MONDO:0014919, OMIM 617108.

gnomAD v4.1: 1 of 1,612,710 alleles (0.000062%); highest among the groups gnomAD compares: Non-Finnish European, 0.000085%; no homozygotes.

Submission:

Myriad Genetics, Inc.
Classification: Benign for Sessile serrated polyposis cancer syndrome. Last evaluated: 2026-07-01. Review status: criteria provided, single submitter. Criteria: Myriad Autosomal Dominant, Autosomal Recessive and X-Linked Classification Criteria (2023). Collection method: clinical testing. Allele origin: unknown.
Comment: This variant is considered benign. This variant is a silent/synonymous amino acid change and it is not expected to impact splicing.